The following is an entry in ClinVar:

NM_001374828.1(ARID1B):c.4896G>C (p.Glu1632Asp)

Gene: ARID1B (AT-rich interaction domain 1B; plus strand). Cytogenetic location: 6q25.3.
Variant type: single nucleotide variant.
Coding change: c.4896G>C on transcript NM_001374828.1 (MANE Select); coding-DNA position 4896, G replaced by C.
Protein change: p.Glu1632Asp; replaces glutamic acid 1632 with aspartic acid.
Molecular consequence: missense variant.
Genome position (GRCh38, 1-based): chr6:157,201,121, G>C. VCF-style: chr6-157201121-G-C. GRCh37 (hg19) VCF-style: chr6-157522255-G-C.
Other names: c.4737G>C, p.Glu1579Asp (NM_017519.3); c.2397G>C, p.Glu799Asp (NM_001363725.2); c.4776G>C, p.Glu1592Asp (NM_001371656.1, NM_001374820.1); c.5025G>C, p.Glu1675Asp (NM_001438482.1); c.4938G>C, p.Glu1646Asp (NM_001438483.1); c.4806G>C, p.Glu1602Asp (NM_001438485.1); c.4779G>C, p.Glu1593Asp (NM_001438486.1); c.4716G>C, p.Glu1572Asp (NM_001438487.1); and 1 more; short protein forms E1572D, E1579D, E1592D, E1593D, E1602D, E1632D, E1646D, E1675D.
Identifiers: ClinVar variation 4823700 (VCV004823700.4).

ClinVar aggregate classification (germline): Uncertain significance (1 of 4 stars; one submission).

Submission:

CeGaT Center for Human Genetics Tuebingen
Classification: Uncertain significance. Last evaluated: 2026-03-01. Review status: criteria provided, single submitter. Criteria: CeGaT Center For Human Genetics Tuebingen Variant Classification Criteria Version 2. Collection method: clinical testing. Allele origin: germline. Affected: yes. Observed: 1 variant allele.
Comment: ARID1B: PM2